The following is an entry in ClinVar:

NM_000632.4(ITGAM):c.3163T>G (p.Trp1055Gly)

Gene: ITGAM (integrin subunit alpha M; plus strand). Cytogenetic location: 16p11.2.
Variant type: single nucleotide variant.
Coding change: c.3163T>G on transcript NM_000632.4 (MANE Select); coding-DNA position 3163, T replaced by G.
Protein change: p.Trp1055Gly; replaces tryptophan 1055 with glycine.
Molecular consequence: missense variant.
Genome position (GRCh38, 1-based): chr16:31,330,410, T>G. VCF-style: chr16-31330410-T-G. GRCh37 (hg19) VCF-style: chr16-31341731-T-G.
Other names: c.3166T>G, p.Trp1056Gly (NM_001145808.2); short protein forms W1055G, W1056G.
Identifiers: ClinVar variation 2806575 (VCV002806575.3), dbSNP rs771789895, ClinGen allele CA395702378.
Genomic context (GRCh38, chr16:31,330,410, plus strand): 5'-CCGTTCTTTGGCATCCAGGAAGAATTCAATGCTACCCTCAAAGGCAACCTCTCGTTTGAC[T>G]GGTACATCAAGGTGTGTGGGGTCCTGAGGCTTCGCCGGGCACAGGCGTGGTGCTCAGGGC-3'
Protein context (NP_000623.2, residues 1045-1065): ATLKGNLSFD[Trp1055Gly]YIKTSHNHLL

ClinVar aggregate classification (germline): Uncertain significance (1 of 4 stars; one submission).

Submission:

Labcorp Genetics (formerly Invitae), Labcorp
Classification: Uncertain significance. Last evaluated: 2024-04-29. Review status: criteria provided, single submitter. Criteria: Invitae Variant Classification Sherloc (09022015). Collection method: clinical testing. Allele origin: germline.
Comment: This sequence change replaces tryptophan, which is neutral and slightly polar, with glycine, which is neutral and non-polar, at codon 1055 of the ITGAM protein (p.Trp1055Gly). This variant is not present in population databases (gnomAD no frequency). This variant has not been reported in the literature in individuals affected with ITGAM-related conditions. An algorithm developed to predict the effect of missense changes on protein structure and function (PolyPhen-2) suggests that this variant is likely to be disruptive. In summary, the available evidence is currently insufficient to determine the role of this variant in disease. Therefore, it has been classified as a Variant of Uncertain Significance.